The following is an entry in ClinVar:

ClinVar aggregate classification (germline): Uncertain significance (1 of 4 stars; one submission).

Submission:

Labcorp Genetics (formerly Invitae), Labcorp
Classification: Uncertain significance. Last evaluated: 2024-04-25. Review status: criteria provided, single submitter. Criteria: Invitae Variant Classification Sherloc (09022015). Collection method: clinical testing. Allele origin: germline.
Comment: This sequence change replaces aspartic acid, which is acidic and polar, with histidine, which is basic and polar, at codon 1210 of the ADCY5 protein (p.Asp1210His). This variant is not present in population databases (gnomAD no frequency). This variant has not been reported in the literature in individuals affected with ADCY5-related conditions. Advanced modeling of protein sequence and biophysical properties (such as structural, functional, and spatial information, amino acid conservation, physicochemical variation, residue mobility, and thermodynamic stability) has been performed at Invitae for this missense variant, however the output from this modeling did not meet the statistical confidence thresholds required to predict the impact of this variant on ADCY5 protein function. In summary, the available evidence is currently insufficient to determine the role of this variant in disease. Therefore, it has been classified as a Variant of Uncertain Significance.

NM_183357.3(ADCY5):c.3628G>C (p.Asp1210His)

Gene: ADCY5 (adenylate cyclase 5; minus strand). Cytogenetic location: 3q21.1.
Variant type: single nucleotide variant.
Coding change: c.3628G>C on transcript NM_183357.3 (MANE Select); coding-DNA position 3628, G replaced by C.
Protein change: p.Asp1210His; replaces aspartic acid 1210 with histidine.
Molecular consequence: missense variant.
Genome position (GRCh38, 1-based): chr3:123,286,714, C>G on the plus strand (G>C on the coding strand, the complement: ADCY5 is on the minus strand). VCF-style: chr3-123286714-C-G. GRCh37 (hg19) VCF-style: chr3-123005561-C-G.
Other names: c.2578G>C, p.Asp860His (NM_001199642.1); c.3703G>C, p.Asp1235His (NM_001378259.1); short protein forms D1210H, D860H, D1235H.
Identifiers: ClinVar variation 3635781 (VCV003635781.2).